The following is an entry in ClinVar:

NM_000390.4(CHM):c.977C>G (p.Thr326Ser)

Gene: CHM (CHM Rab escort protein; minus strand). Cytogenetic location: Xq21.2.
Variant type: single nucleotide variant.
Coding change: c.977C>G on transcript NM_000390.4 (MANE Select); coding-DNA position 977, C replaced by G.
Protein change: p.Thr326Ser; replaces threonine 326 with serine.
Molecular consequence: missense variant.
Genome position (GRCh38, 1-based): chrX:85,956,342, G>C on the plus strand (C>G on the coding strand, the complement: CHM is on the minus strand). VCF-style: chrX-85956342-G-C. GRCh37 (hg19) VCF-style: chrX-85211347-G-C.
Other names: c.533C>G, p.Thr178Ser (NM_001320959.1, NM_001362517.1, NM_001362518.2 and 1 more transcripts); short protein forms T326S, T178S.
Identifiers: ClinVar variation 2163865 (VCV002163865.3), dbSNP rs200321098, ClinGen allele CA10465480.

ClinVar aggregate classification (germline): Uncertain significance. Review status: criteria provided, multiple submitters, no conflicts (2 of 4 stars). 2 submissions from 2 submitters: Uncertain significance (2). Last evaluated 2026-05-10.

Conditions:
Inborn genetic diseases. Identifiers: MedGen C0950123, MeSH D030342.

Allele frequency attached by ClinVar (database versions not stated): ExAC 0.00001.
gnomAD v4.1: 2 of 1,210,718 alleles (0.00017%); highest among the groups gnomAD compares: Non-Finnish European, 0.00022%; no homozygotes.

Submissions (2):

Ambry Genetics
Classification: Uncertain significance for Inborn genetic diseases. Last evaluated: 2026-05-10. Review status: criteria provided, single submitter. Criteria: Ambry Variant Classification Scheme 2023. Collection method: clinical testing. Allele origin: germline.

Labcorp Genetics (formerly Invitae), Labcorp
Classification: Uncertain significance. Last evaluated: 2022-01-07. Review status: criteria provided, single submitter. Criteria: Invitae Variant Classification Sherloc (09022015). Collection method: clinical testing. Allele origin: germline.
Comment: This sequence change replaces threonine, which is neutral and polar, with serine, which is neutral and polar, at codon 326 of the CHM protein (p.Thr326Ser). This variant is present in population databases (rs200321098, gnomAD 0.001%), including at least one homozygous and/or hemizygous individual. This variant has not been reported in the literature in individuals affected with CHM-related conditions. Algorithms developed to predict the effect of missense changes on protein structure and function (SIFT, PolyPhen-2, Align-GVGD) all suggest that this variant is likely to be tolerated. In summary, the available evidence is currently insufficient to determine the role of this variant in disease. Therefore, it has been classified as a Variant of Uncertain Significance.